The following is an entry in ClinVar:

NM_000053.4(ATP7B):c.3588C>T (p.Asp1196=)

Gene: ATP7B (ATPase copper transporting beta; minus strand). Cytogenetic location: 13q14.3.
Variant type: single nucleotide variant.
Coding change: c.3588C>T on transcript NM_000053.4 (MANE Select); coding-DNA position 3588, C replaced by T.
Protein change: p.Asp1196=; no amino-acid change (aspartic acid 1196 retained).
Molecular consequence: synonymous variant.
Genome position (GRCh38, 1-based): chr13:51,939,162, G>A on the plus strand (C>T on the coding strand, the complement: ATP7B is on the minus strand). VCF-style: chr13-51939162-G-A. GRCh37 (hg19) VCF-style: chr13-52513298-G-A.
Other names: p.Asp1196=; c.2967C>T, p.Asp989= (NM_001005918.3); c.3255C>T, p.Asp1085= (NM_001243182.2); c.3354C>T, p.Asp1118= (NM_001330578.2); c.3336C>T, p.Asp1112= (NM_001330579.2).
Identifiers: ClinVar variation 35723 (VCV000035723.49), dbSNP rs11840224, ClinGen allele CA260143.

ClinVar aggregate classification (germline): Conflicting classifications of pathogenicity. Review status: criteria provided, conflicting classifications (1 of 4 stars). 13 submissions from 13 submitters: Uncertain significance (1); Benign (2); Likely benign (7). 3 of the submissions do not count toward it. Last evaluated 2026-06-01.

Conditions:
Wilson disease (WND). Also called: Wilson's disease. Identifiers: Orphanet 905, MedGen C0019202, MONDO:0010200, OMIM 277900. Disease mechanism: loss of function.

Allele frequency attached by ClinVar (database versions not stated): ESP Exome Variant Server 0.00302; gnomAD 0.00305 and 0.00287; gnomAD exomes 0.00079 and 0.00029; 1000 Genomes Project 30x 0.00328; ExAC 0.00100; 1000 Genomes Project 0.00319; TOPMed 0.00323.
gnomAD v4.1: 894 of 1,614,016 alleles (0.055%); highest among the groups gnomAD compares: African/African-American, 0.96%; 6 homozygotes.

Submissions (13):

CeGaT Center for Human Genetics Tuebingen
Classification: Likely benign. Last evaluated: 2026-06-01. Review status: criteria provided, single submitter. Criteria: CeGaT Center For Human Genetics Tuebingen Variant Classification Criteria Version 2. Collection method: clinical testing. Allele origin: germline. Affected: yes. Observed: 3 variant alleles.
Comment: ATP7B: BP4, BP7

Labcorp Genetics (formerly Invitae), Labcorp
Classification: Benign for Wilson disease. Last evaluated: 2026-01-31. Review status: criteria provided, single submitter. Criteria: Invitae Variant Classification Sherloc (09022015). Collection method: clinical testing. Allele origin: germline.

Mayo Clinic Laboratories, Mayo Clinic
Classification: Likely benign. Last evaluated: 2025-08-06. Review status: criteria provided, single submitter. Criteria: ACMG Guidelines, 2015. Collection method: clinical testing. Allele origin: germline. Observed: 2 variant alleles.
Comment: BS1, BP4, BP7

Blueprint Genetics
Classification: Likely benign. Last evaluated: 2024-09-09. Review status: criteria provided, single submitter. Criteria: ACMG Guidelines, 2015. Collection method: clinical testing. Allele origin: germline.

All of Us Research Program, National Institutes of Health
Classification: Likely benign for Wilson disease. Last evaluated: 2024-02-05. Review status: criteria provided, single submitter. Criteria: ACMG Guidelines, 2015. Collection method: clinical testing. Allele origin: germline. Inheritance: Autosomal recessive inheritance. Observed: 174 variant alleles, 174 heterozygotes.
Comment: This study involves interpretation of variants in research participants for the purpose of population health screening. Participant phenotype was not available at the time of variant classification. Additional details can be found in publication PMID: 35346344, PMCID: PMC8962531

Color Diagnostics, LLC DBA Color Health
Classification: Likely benign for Wilson disease. Last evaluated: 2022-07-08. Review status: criteria provided, single submitter. Criteria: ACMG Guidelines, 2015. Collection method: clinical testing. Allele origin: germline.

Genome-Nilou Lab
Classification: Likely benign for Wilson disease. Last evaluated: 2021-08-10. Review status: criteria provided, single submitter. Criteria: ACMG Guidelines, 2015. Collection method: clinical testing. Allele origin: germline. Affected: no.

GeneDx
Classification: Likely benign. Last evaluated: 2020-11-30. Review status: criteria provided, single submitter. Criteria: GeneDx Variant Classification Process June 2021. Collection method: clinical testing. Allele origin: germline. Affected: yes.

Illumina Laboratory Services, Illumina
Classification: Uncertain significance for Wilson disease. Last evaluated: 2019-01-21. Review status: criteria provided, single submitter. Criteria: ICSL Variant Classification Criteria 13 December 2019. Collection method: clinical testing. Allele origin: germline.
Comment: This variant was observed as part of a predisposition screen in an ostensibly healthy population. A literature search was performed for the gene, cDNA change, and amino acid change (where applicable). Publications were found based on this search. However, the evidence from the literature, in combination with allele frequency data from public databases where available, was not sufficient to rule this variant in or out of causing disease. Therefore, this variant is classified as a variant of unknown significance.

Women's Health and Genetics/Laboratory Corporation of America, LabCorp
Classification: Benign for Wilson Disease. Last evaluated: 2011-08-18. Review status: criteria provided, single submitter. Criteria: LabCorp Variant Classification Summary - May 2015. Collection method: curation, clinical testing. Allele origin: germline. Inheritance: autosomal unknown. Affected: yes.
ClinVar note: Converted during submission from benign to Benign.

Clinical Genetics DNA and cytogenetics Diagnostics Lab, Erasmus MC, Erasmus Medical Center
Classification: Benign. Review status: no assertion criteria provided. Collection method: clinical testing. Allele origin: germline. Affected: yes. Study: VKGL Data-share Consensus. Not counted in ClinVar's aggregate classification.

Clinical Genetics, Academic Medical Center
Classification: Benign. Review status: no assertion criteria provided. Collection method: clinical testing. Allele origin: germline. Affected: yes. Study: VKGL Data-share Consensus. Not counted in ClinVar's aggregate classification.

Genome Diagnostics Laboratory, Amsterdam University Medical Center
Classification: Likely benign. Review status: no assertion criteria provided. Collection method: clinical testing. Allele origin: germline. Affected: yes. Study: VKGL Data-share Consensus. Not counted in ClinVar's aggregate classification.

Literature cited by the submitters: PubMed 15205462 (cited by Mayo Clinic Laboratories, Mayo Clinic and Illumina Laboratory Services, Illumina); PubMed 18855987 (cited by Mayo Clinic Laboratories, Mayo Clinic and Illumina Laboratory Services, Illumina); PubMed 22046264 (cited by Mayo Clinic Laboratories, Mayo Clinic and Illumina Laboratory Services, Illumina).